The following is an entry in ClinVar:

ClinVar aggregate classification (germline): Pathogenic. Review status: reviewed by expert panel (3 of 4 stars). 17 submissions from 15 submitters: Pathogenic (1). 16 of the submissions do not count toward it. Last evaluated 2017-03-17.

Conditions:
CFTR-related disorder (CFTR-RD). Also called: CFTR-related condition; CFTR-related disorders. Identifiers: MedGen C5924204, MONDO:7770004.
Congenital bilateral aplasia of vas deferens from CFTR mutation (CBAVD). Identifiers: Orphanet 48, MedGen C0403814, MONDO:0010178, OMIM 277180. Disease mechanism: loss of function.
Cystic fibrosis (CF). Also called: MUCOVISCIDOSIS. Identifiers: Orphanet 586, MedGen C0010674, MONDO:0009061, OMIM 219700. Disease mechanism: loss of function.
Hereditary pancreatitis (PCTT). Also called: PRSS1-Related Hereditary Pancreatitis; Hereditary chronic pancreatitis. Identifiers: Orphanet 676, MedGen C0238339, MONDO:0008185, OMIM 167800.
Bronchiectasis with or without elevated sweat chloride 1 (BESC1). Also called: Cystic Fibrosis-Like Syndrome. Identifiers: Orphanet 60033, MedGen C2749757, MONDO:0008887, OMIM 211400.

Allele frequency attached by ClinVar (database versions not stated): gnomAD exomes below 0.00001; ExAC 0.00001; gnomAD 0.00001; TOPMed 0.00001; ESP Exome Variant Server 0.00008.
gnomAD v4.1: 5 of 1,613,514 alleles (0.00031%); highest among the groups gnomAD compares: Non-Finnish European, 0.00034%; no homozygotes.

Submissions (17):

CFTR2
Classification: Pathogenic for Cystic fibrosis. Last evaluated: 2017-03-17. Review status: reviewed by expert panel. Criteria: Sosnay PR et al. (Nat Genet 2013). Collection method: research. Allele origin: germline. Affected: yes. Study: CFTR2.

PreventionGenetics, part of Exact Sciences
Classification: Pathogenic for CFTR-related condition. Last evaluated: 2025-07-14. Review status: criteria provided, single submitter. Criteria: ACMG Guidelines, 2015. Collection method: clinical testing. Allele origin: germline. Not counted in ClinVar's aggregate classification.
Comment: The CFTR c.3230T>C variant is predicted to result in the amino acid substitution p.Leu1077Pro. This variant has been reported in many individuals and it is documented to cause cystic fibrosis (Tsui et al. 1992. PubMed ID: 1284534; Bozon et al. 1994. PubMed ID: 7517268; Alibakhshi et al. 2007. PubMed ID: 17662673; Supplementary data, Sosnay et al. 2013. PubMed ID: 23974870; Table S1, Raraigh et al. 2021. PubMed ID: 34782259). In vitro experimental studies support its pathogenicity (Supplementary data, Sosnay et al. 2013. PubMed ID: 23974870). This variant is reported in 0.00088% of alleles in individuals of European (non-Finnish) descent in gnomAD and it is interpreted as pathogenic in ClinVar. This variant is interpreted as pathogenic.

Fulgent Genetics
Classification: Likely pathogenic for Hereditary pancreatitis; Bronchiectasis with or without elevated sweat chloride 1; Cystic fibrosis; Congenital bilateral aplasia of vas deferens from CFTR mutation. Last evaluated: 2024-04-15. Review status: criteria provided, single submitter. Criteria: ACMG Guidelines, 2015. Collection method: clinical testing. Allele origin: germline. Not counted in ClinVar's aggregate classification.

Natera, Inc.
Classification: Pathogenic for CFTR-related disorders. Last evaluated: 2024-03-27. Review status: criteria provided, single submitter. Criteria: Natera Variant Classification Schema (03/2026). Collection method: clinical testing. Allele origin: germline. Not counted in ClinVar's aggregate classification.
Comment: The c.3230T>C variant in CFTR is a missense variant predicted to cause substitution of leucine to proline at amino acid 1077. This variant is rare in the general population with a frequency below the threshold expected for the associated phenotype(s). This variant has been observed in one or more individuals affected with the associated recessive disease, as either homozygous or compound heterozygous with a second variant (PMID: 25910067, 30509709, 31162888). Given the available evidence, this variant is classified as Pathogenic.

Baylor Genetics
Classification: Pathogenic for Bronchiectasis with or without elevated sweat chloride 1. Last evaluated: 2024-02-13. Review status: criteria provided, single submitter. Criteria: ACMG Guidelines, 2015. Collection method: clinical testing. Allele origin: unknown. Not counted in ClinVar's aggregate classification.

Labcorp Genetics (formerly Invitae), Labcorp
Classification: Pathogenic for Cystic fibrosis. Last evaluated: 2023-07-31. Review status: criteria provided, single submitter. Criteria: Invitae Variant Classification Sherloc (09022015). Collection method: clinical testing. Allele origin: germline. Not counted in ClinVar's aggregate classification.
Comment: This sequence change replaces leucine, which is neutral and non-polar, with proline, which is neutral and non-polar, at codon 1077 of the CFTR protein (p.Leu1077Pro). This variant is present in population databases (rs139304906, gnomAD 0.0009%). This missense change has been observed in individual(s) with cystic fibrosis (PMID: 7517268, 17662673, 23974870, 24225052). ClinVar contains an entry for this variant (Variation ID: 53690). Advanced modeling of protein sequence and biophysical properties (such as structural, functional, and spatial information, amino acid conservation, physicochemical variation, residue mobility, and thermodynamic stability) performed at Invitae indicates that this missense variant is expected to disrupt CFTR protein function. Experimental studies have shown that this missense change affects CFTR function (PMID: 23974870). For these reasons, this variant has been classified as Pathogenic.

Institute of Human Genetics, University of Leipzig Medical Center
Classification: Pathogenic for Cystic fibrosis. Last evaluated: 2022-09-05. Review status: criteria provided, single submitter. Criteria: ACMG Guidelines, 2015. Collection method: curation. Allele origin: unknown. Affected: yes. Observed: 2 variant alleles. Not counted in ClinVar's aggregate classification.
Comment: This variant was identified in 2 unrelated patients with a clinically confirmed diagnosis of cystic fibrosis. The variant was classified in the context of a project re-classifying variants in the German Cystic Fibrosis Registry (Muko.e.V.). Criteria applied: PS3_SUP, PM2_SUP, PM3_VSTR, PP3, PP4

Ambry Genetics
Classification: Pathogenic for Cystic fibrosis. Last evaluated: 2022-07-18. Review status: criteria provided, single submitter. Criteria: Ambry Variant Classification Scheme 2023. Collection method: clinical testing. Allele origin: germline. Not counted in ClinVar's aggregate classification.
Comment: The p.L1077P pathogenic mutation (also known as c.3230T>C), located in coding exon 20 of the CFTR gene, results from a T to C substitution at nucleotide position 3230. The leucine at codon 1077 is replaced by proline, an amino acid with similar properties. In one study, this mutation was identified in one individual with cystic fibrosis in conjunction with p.F508del (Bozon D et al. Hum. Mutat., 1994;3:330-2). In another study, this mutation was seen in 4 individuals with cystic fibrosis in conjunction with a second pathogenic mutation (Parisi GF et al. BMC Res Notes, 2013 Nov;6:461). This mutation is associated with elevated sweat chloride levels and pancreatic insufficiency; in vitro functional studies showed this mutation results in no to very little chloride conductance (Sosnay PR et al. Nat. Genet., 2013 Oct;45:1160-7). Based on the supporting evidence, this alteration is interpreted as a disease-causing mutation.

Johns Hopkins Genomics, Johns Hopkins University
Classification: Pathogenic for Cystic fibrosis. Last evaluated: 2020-08-20. Review status: criteria provided, single submitter. Criteria: ACMG Guidelines, 2015. Collection method: clinical testing. Allele origin: germline. Not counted in ClinVar's aggregate classification.
Comment: Disease-causing CFTR variant. See CFTR2 for phenotype information.

Mayo Clinic Laboratories, Mayo Clinic
Classification: Pathogenic. Last evaluated: 2020-06-01. Review status: criteria provided, single submitter. Criteria: ACMG Guidelines, 2015. Collection method: clinical testing. Allele origin: germline. Observed: 1 variant allele. Not counted in ClinVar's aggregate classification.
Comment: PS3, PM3, PM2, PP3, PP5

Genome Diagnostics Laboratory, The Hospital for Sick Children
Classification: Pathogenic for Cystic fibrosis. Last evaluated: 2019-07-23. Review status: criteria provided, single submitter. Criteria: ACMG Guidelines, 2015. Collection method: clinical testing. Allele origin: germline. Not counted in ClinVar's aggregate classification.

Mendelics
Classification: Pathogenic for Cystic fibrosis. Last evaluated: 2018-11-05. Review status: criteria provided, single submitter. Criteria: Mendelics Assertion Criteria 2017. Collection method: clinical testing. Allele origin: unknown. Affected: yes. Not counted in ClinVar's aggregate classification.

CFTR-France
Classification: Pathogenic for cystic fibrosis. Last evaluated: 2018-01-29. Review status: criteria provided, single submitter. Criteria: Claustres M et al. (Hum Mutat 2017). Collection method: curation. Allele origin: germline. Affected: yes. Not counted in ClinVar's aggregate classification.

Women's Health and Genetics/Laboratory Corporation of America, LabCorp
Classification: Pathogenic for Cystic fibrosis. Last evaluated: 2016-08-30. Review status: criteria provided, single submitter. Criteria: LabCorp Variant Classification Summary - May 2015. Collection method: clinical testing. Allele origin: germline. Not counted in ClinVar's aggregate classification.
Comment: Variant summary: The CFTR c.3230T>C (p.Leu1077Pro) variant involves the alteration of a conserved nucleotide. 5/5 in silico tools predict a damaging outcome for this variant. This variant was found in 1/120564 control chromosomes at a frequency of 0.0000083, which does not exceed the estimated maximal expected allele frequency of a pathogenic CFTR variant (0.0129603). The variant has been reported in numerous affected individuals in the literature and has been shown via in vitro functional studies to result in the complete loss of chloride transport/conduction (Van Goor_2013, Sosnay_2013). In addition, one clinical diagnostic laboratory/reputable database has classified this variant as pathogenic. Taken together, this variant is classified as pathogenic.

Baylor Genetics
Classification: Pathogenic for Congenital bilateral aplasia of vas deferens from CFTR mutation; Cystic fibrosis. Review status: criteria provided, single submitter. Criteria: ACMG Guidelines, 2015. Collection method: clinical testing. Allele origin: germline. Not counted in ClinVar's aggregate classification.

Genome Diagnostics Laboratory, The Hospital for Sick Children
Classification: Pathogenic for CFTR-related disorders. Last evaluated: 2019-07-23. Review status: no assertion criteria provided. Collection method: clinical testing. Allele origin: germline. Not counted in ClinVar's aggregate classification.

Counsyl
Classification: Pathogenic for Cystic fibrosis. Last evaluated: 2015-03-30. Review status: no assertion criteria provided. Collection method: clinical testing. Allele origin: unknown. Not counted in ClinVar's aggregate classification.

Literature cited by the submitters: PubMed 25910067 (cited by Natera, Inc. and Women's Health and Genetics/Laboratory Corporation of America, LabCorp); PubMed 30509709 (cited by Natera, Inc.); PubMed 31162888 (cited by Natera, Inc.); PubMed 7517268 (cited by Labcorp Genetics (formerly Invitae), Labcorp and Ambry Genetics); PubMed 17662673 (cited by Labcorp Genetics (formerly Invitae), Labcorp); PubMed 23974870 (cited by 4 submitters); PubMed 24225052 (cited by 3 submitters); PubMed 22658665 (cited by Mayo Clinic Laboratories, Mayo Clinic); PubMed 23891399 (cited by 3 submitters); PubMed 22442927 (cited by Women's Health and Genetics/Laboratory Corporation of America, LabCorp).

NM_000492.4(CFTR):c.3230T>C (p.Leu1077Pro)

Genes: CFTR (CF transmembrane conductance regulator; plus strand), CFTR-AS2 (CFTR antisense RNA 2; minus strand), LOC111674472 (DNase I hypersensitive sites in introns 16 and 17a of CFTR; plus strand). Cytogenetic location: 7q31.2.
Variant type: single nucleotide variant.
Coding change: c.3230T>C on transcript NM_000492.4 (MANE Select); coding-DNA position 3230, T replaced by C.
Protein change: p.Leu1077Pro; replaces leucine 1077 with proline.
Molecular consequence: missense variant.
Genome position (GRCh38, 1-based): chr7:117,611,671, T>C. VCF-style: chr7-117611671-T-C. GRCh37 (hg19) VCF-style: chr7-117251725-T-C.
Other names: short protein forms L1077P.
Identifiers: ClinVar variation 53690 (VCV000053690.33), dbSNP rs139304906, ClinGen allele CA328111.